The following is an entry in ClinVar:

NM_004364.5(CEBPA):c.821C>A (p.Ala274Asp)

Gene: CEBPA (CCAAT enhancer binding protein alpha; minus strand). Cytogenetic location: 19q13.11.
Variant type: single nucleotide variant.
Coding change: c.821C>A on transcript NM_004364.5 (MANE Select); coding-DNA position 821, C replaced by A.
Protein change: p.Ala274Asp; replaces alanine 274 with aspartic acid.
Molecular consequence: missense variant.
Genome position (GRCh38, 1-based): chr19:33,301,594, G>T on the plus strand (C>A on the coding strand, the complement: CEBPA is on the minus strand). VCF-style: chr19-33301594-G-T. GRCh37 (hg19) VCF-style: chr19-33792500-G-T.
Other names: c.464C>A, p.Ala155Asp (NM_001285829.2); c.926C>A, p.Ala309Asp (NM_001287424.2); c.779C>A, p.Ala260Asp (NM_001287435.2); short protein forms A260D, A274D, A155D, A309D.
Identifiers: ClinVar variation 4611015 (VCV004611015.1).

ClinVar aggregate classification (germline): Uncertain significance (1 of 4 stars; one submission).

Conditions:
Inborn genetic diseases. Identifiers: MedGen C0950123, MeSH D030342.

Submission:

Ambry Genetics
Classification: Uncertain significance for Inborn genetic diseases. Last evaluated: 2025-09-26. Review status: criteria provided, single submitter. Criteria: Ambry Variant Classification Scheme 2023. Collection method: clinical testing. Allele origin: germline.
Comment: The p.A274D variant (also known as c.821C>A), located in coding exon 1 of the CEBPA gene, results from a C to A substitution at nucleotide position 821. The alanine at codon 274 is replaced by aspartic acid, an amino acid with dissimilar properties. This amino acid position is conserved. In addition, this alteration is predicted to be tolerated by in silico analysis. Based on the available evidence, the clinical significance of this variant remains unclear.